The following is an entry in ClinVar:

NM_004211.5(SLC6A5):c.997_998del (p.Ile333fs)

Gene: SLC6A5 (solute carrier family 6 member 5; plus strand). Cytogenetic location: 11p15.1.
Variant type: Deletion.
Coding change: c.997_998del on transcript NM_004211.5 (MANE Select); coding-DNA positions 997 to 998, 2 bases deleted (AT; older notation c.997_998delAT).
Protein change: p.Ile333fs; shifts the reading frame from isoleucine 333.
Molecular consequence: frameshift variant.
Genome position (GRCh38, 1-based): chr11:20,614,690-20,614,691, AT deleted; deleting any 2 consecutive bases within chr11:20,614,689-20,614,691 gives the same sequence; the c. name uses the placement nearest the transcript's 3' end. VCF-style (leftmost placement, unchanged base first): chr11-20614688-TTA-T. GRCh37 (hg19) VCF-style: chr11-20636234-TTA-T.
Other names: c.295_296del, p.Ile99fs (NM_001318369.2); short protein forms I333fs, I99fs.
Identifiers: ClinVar variation 1394178 (VCV001394178.6), dbSNP rs1203538648, ClinGen allele CA674514841.

ClinVar aggregate classification (germline): Pathogenic (1 of 4 stars; one submission).

Conditions:
Hyperekplexia 3 (HKPX3). Also called: HYPEREKPLEXIA 3, AUTOSOMAL RECESSIVE; HYPEREKPLEXIA 3, AUTOSOMAL DOMINANT. Identifiers: Orphanet 3197, MedGen C3553288, MONDO:0013827, OMIM 614618.

Submission:

Labcorp Genetics (formerly Invitae), Labcorp
Classification: Pathogenic for Hyperekplexia 3. Last evaluated: 2024-10-30. Review status: criteria provided, single submitter. Criteria: Invitae Variant Classification Sherloc (09022015). Collection method: clinical testing. Allele origin: germline.
Comment: This sequence change creates a premature translational stop signal (p.Ile333Glnfs*2) in the SLC6A5 gene. It is expected to result in an absent or disrupted protein product. Loss-of-function variants in SLC6A5 are known to be pathogenic (PMID: 14622583, 16751771, 22700964). This variant is not present in population databases (gnomAD no frequency). This variant has not been reported in the literature in individuals affected with SLC6A5-related conditions. ClinVar contains an entry for this variant (Variation ID: 1394178). For these reasons, this variant has been classified as Pathogenic.

Literature cited by the submitters: PubMed 14622583; PubMed 16751771; PubMed 22700964.